The following is an entry in ClinVar:

NM_030962.4(SBF2):c.3925C>T (p.Leu1309Phe)

Gene: SBF2 (SET binding factor 2; minus strand). Cytogenetic location: 11p15.4.
Variant type: single nucleotide variant.
Coding change: c.3925C>T on transcript NM_030962.4 (MANE Select); coding-DNA position 3925, C replaced by T.
Protein change: p.Leu1309Phe; replaces leucine 1309 with phenylalanine.
Molecular consequence: missense variant.
Genome position (GRCh38, 1-based): chr11:9,816,893, G>A on the plus strand (C>T on the coding strand, the complement: SBF2 is on the minus strand). VCF-style: chr11-9816893-G-A. GRCh37 (hg19) VCF-style: chr11-9838440-G-A.
Other names: c.4021C>T, p.Leu1341Phe (NM_001386339.1); c.3796C>T, p.Leu1266Phe (NM_001386342.1); short protein forms L1309F, L1266F, L1341F.
Identifiers: ClinVar variation 1397944 (VCV001397944.8), dbSNP rs1564879807, ClinGen allele CA379644399.

ClinVar aggregate classification (germline): Uncertain significance (1 of 4 stars; one submission).

Conditions:
Charcot-Marie-Tooth disease type 4. Also called: Charcot-Marie-Tooth disease, type IV; Charcot-Marie-Tooth, Type 4. Identifiers: Orphanet 64749, MedGen C4082197, MONDO:0018995.

Allele frequency attached by ClinVar (database versions not stated): gnomAD exomes below 0.00001.
gnomAD v4.1: 6 of 1,614,176 alleles (0.00037%); highest among the groups gnomAD compares: Non-Finnish European, 0.00051%; no homozygotes.

Submission:

Labcorp Genetics (formerly Invitae), Labcorp
Classification: Uncertain significance for Charcot-Marie-Tooth disease type 4. Last evaluated: 2022-06-27. Review status: criteria provided, single submitter. Criteria: Invitae Variant Classification Sherloc (09022015). Collection method: clinical testing. Allele origin: germline.
Comment: In summary, the available evidence is currently insufficient to determine the role of this variant in disease. Therefore, it has been classified as a Variant of Uncertain Significance. Algorithms developed to predict the effect of missense changes on protein structure and function are either unavailable or do not agree on the potential impact of this missense change (SIFT: "Deleterious"; PolyPhen-2: "Possibly Damaging"; Align-GVGD: "Class C0"). This variant has not been reported in the literature in individuals affected with SBF2-related conditions. This variant is not present in population databases (gnomAD no frequency). This sequence change replaces leucine, which is neutral and non-polar, with phenylalanine, which is neutral and non-polar, at codon 1309 of the SBF2 protein (p.Leu1309Phe).